The following is an entry in ClinVar:

NM_003923.3(FOXH1):c.994C>T (p.Gln332Ter)

Gene: FOXH1 (forkhead box H1; minus strand). Cytogenetic location: 8q24.3.
Variant type: single nucleotide variant.
Coding change: c.994C>T on transcript NM_003923.3 (MANE Select); coding-DNA position 994, C replaced by T.
Protein change: p.Gln332Ter; replaces glutamine 332 with a stop codon.
Molecular consequence: nonsense.
Genome position (GRCh38, 1-based): chr8:144,474,342, G>A on the plus strand (C>T on the coding strand, the complement: FOXH1 is on the minus strand). VCF-style: chr8-144474342-G-A. GRCh37 (hg19) VCF-style: chr8-145699725-G-A.
Other names: short protein forms Q332*.
Identifiers: ClinVar variation 2658991 (VCV002658991.24), dbSNP rs2537637680, ClinGen allele CA372723142.

ClinVar aggregate classification (germline): Uncertain significance (1 of 4 stars; one submission).

Submission:

CeGaT Center for Human Genetics Tuebingen
Classification: Uncertain significance. Last evaluated: 2023-07-01. Review status: criteria provided, single submitter. Criteria: CeGaT Center For Human Genetics Tuebingen Variant Classification Criteria Version 2. Collection method: clinical testing. Allele origin: germline. Affected: yes. Observed: 1 variant allele.
Comment: FOXH1: PM2